The following is an entry in ClinVar:

ClinVar aggregate classification (germline): Uncertain significance. Review status: criteria provided, multiple submitters, no conflicts (2 of 4 stars). 3 submissions from 3 submitters: Uncertain significance (3). Last evaluated 2024-10-23.

Conditions:
Familial adenomatous polyposis 1 (FAP1). Also called: POLYPOSIS, ADENOMATOUS INTESTINAL; FAMILIAL ADENOMATOUS POLYPOSIS 1, ATTENUATED. Identifiers: MedGen C2713442, MONDO:0021056, OMIM 175100. Disease mechanism: loss of function.
Hereditary cancer-predisposing syndrome. Also called: Neoplastic Syndromes, Hereditary; Hereditary Cancer Syndrome; Tumor predisposition; Hereditary neoplastic syndrome. Identifiers: Orphanet 140162, MedGen C0027672, MeSH D009386, MONDO:0015356.

Allele frequency attached by ClinVar (database versions not stated): TOPMed below 0.00001; gnomAD 0.00001; 1000 Genomes Project 30x 0.00016; 1000 Genomes Project 0.00020.
gnomAD v4.1: 1 of 1,611,660 alleles (0.000062%); highest among the groups gnomAD compares: Non-Finnish European, 0.000085%; no homozygotes.

Submissions (3):

Labcorp Genetics (formerly Invitae), Labcorp
Classification: Uncertain significance for Familial adenomatous polyposis 1. Last evaluated: 2024-10-23. Review status: criteria provided, single submitter. Criteria: Invitae Variant Classification Sherloc (09022015). Collection method: clinical testing. Allele origin: germline.
Comment: This sequence change replaces arginine, which is basic and polar, with glycine, which is neutral and non-polar, at codon 2833 of the APC protein (p.Arg2833Gly). This variant is not present in population databases (gnomAD no frequency). This variant has not been reported in the literature in individuals affected with APC-related conditions. ClinVar contains an entry for this variant (Variation ID: 572763). Invitae Evidence Modeling of protein sequence and biophysical properties (such as structural, functional, and spatial information, amino acid conservation, physicochemical variation, residue mobility, and thermodynamic stability) indicates that this missense variant is not expected to disrupt APC protein function with a negative predictive value of 95%. In summary, the available evidence is currently insufficient to determine the role of this variant in disease. Therefore, it has been classified as a Variant of Uncertain Significance.

GeneDx
Classification: Uncertain significance. Last evaluated: 2021-03-29. Review status: criteria provided, single submitter. Criteria: GeneDx Variant Classification Process June 2021. Collection method: clinical testing. Allele origin: germline. Affected: yes.
Comment: Not observed at a significant frequency in large population cohorts (Lek 2016); In silico analysis supports that this missense variant does not alter protein structure/function; Has not been previously published as pathogenic or benign to our knowledge

Ambry Genetics
Classification: Uncertain significance for Hereditary cancer-predisposing syndrome. Last evaluated: 2020-01-21. Review status: criteria provided, single submitter. Criteria: Ambry Variant Classification Scheme 2023. Collection method: clinical testing. Allele origin: germline.
Comment: The p.R2833G variant (also known as c.8497C>G), located in coding exon 15 of the APC gene, results from a C to G substitution at nucleotide position 8497. The arginine at codon 2833 is replaced by glycine, an amino acid with dissimilar properties. This amino acid position is highly conserved in available vertebrate species. In addition, in silico predictors for this gene do not accurately predict pathogenicity. Since supporting evidence is limited at this time, the clinical significance of this alteration remains unclear.

NM_000038.6(APC):c.8497C>G (p.Arg2833Gly)

Gene: APC (APC regulator of Wnt signaling pathway; plus strand). Cytogenetic location: 5q22.2.
Variant type: single nucleotide variant.
Coding change: c.8497C>G on transcript NM_000038.6 (MANE Select); coding-DNA position 8497, C replaced by G.
Protein change: p.Arg2833Gly; replaces arginine 2833 with glycine.
Molecular consequence: missense variant.
Genome position (GRCh38, 1-based): chr5:112,844,091, C>G. VCF-style: chr5-112844091-C-G. GRCh37 (hg19) VCF-style: chr5-112179788-C-G.
Other names: c.8497C>G, p.Arg2833Gly (NM_001354895.2, NM_001127510.3); c.8551C>G, p.Arg2851Gly (NM_001354896.2); c.8443C>G, p.Arg2815Gly (NM_001127511.3); c.8527C>G, p.Arg2843Gly (NM_001354897.2); c.8422C>G, p.Arg2808Gly (NM_001354898.2); c.8413C>G, p.Arg2805Gly (NM_001354899.2); c.8374C>G, p.Arg2792Gly (NM_001354900.2); c.8320C>G, p.Arg2774Gly (NM_001354901.2); and 5 more; short protein forms R2833G, R2815G, R2673G, R2742G, R2792G, R2774G, R2732G, R2805G.
Identifiers: ClinVar variation 572763 (VCV000572763.16), dbSNP rs201459013, ClinGen allele CA16039765.